The following is an entry in ClinVar:

NM_006393.3(NEBL):c.1418A>G (p.His473Arg)

Gene: NEBL (nebulette; minus strand). Cytogenetic location: 10p12.31.
Variant type: single nucleotide variant.
Coding change: c.1418A>G on transcript NM_006393.3 (MANE Select); coding-DNA position 1418, A replaced by G.
Protein change: p.His473Arg; replaces histidine 473 with arginine.
Molecular consequence: missense variant. On other transcripts: intron variant (9).
Genome position (GRCh38, 1-based): chr10:20,835,544, T>C on the plus strand (A>G on the coding strand, the complement: NEBL is on the minus strand). VCF-style: chr10-20835544-T-C. GRCh37 (hg19) VCF-style: chr10-21124473-T-C.
Other names: c.250-22604A>G (NM_001377326.1, NM_001377327.1, NM_001377328.1); c.358-22604A>G (NM_213569.2, NM_001173484.2, NM_001377322.1); c.301-22604A>G (NM_001377324.1); c.292-22604A>G (NM_001377325.1); c.310-22604A>G (NM_001377323.1); short protein forms H473R.
Identifiers: ClinVar variation 4727534 (VCV004727534.1).

ClinVar aggregate classification (germline): Uncertain significance (1 of 4 stars; one submission).

Conditions:
Primary dilated cardiomyopathy (DCM). Also called: Dilated Cardiomyopathy. Identifiers: Orphanet 217604, MedGen C0007193, MeSH D002311, MONDO:0005021, HP:0001644. Inheritance: Various modes of inheritance.

gnomAD v4.1: 1 of 1,612,458 alleles (0.000062%); highest among the groups gnomAD compares: Non-Finnish European, 0.000085%; no homozygotes.

Submission:

Labcorp Genetics (formerly Invitae), Labcorp
Classification: Uncertain significance for Primary dilated cardiomyopathy. Last evaluated: 2025-09-21. Review status: criteria provided, single submitter. Criteria: Invitae Variant Classification Sherloc (09022015). Collection method: clinical testing. Allele origin: germline.
Comment: This sequence change replaces histidine, which is basic and polar, with arginine, which is basic and polar, at codon 473 of the NEBL protein (p.His473Arg). This variant is not present in population databases (gnomAD no frequency). This variant has not been reported in the literature in individuals affected with NEBL-related conditions. An algorithm developed to predict the effect of missense changes on protein structure and function outputs the following: PolyPhen-2: "Benign". The arginine amino acid residue is found in multiple mammalian species, which suggests that this missense change does not adversely affect protein function. In summary, the available evidence is currently insufficient to determine the role of this variant in disease. Therefore, it has been classified as a Variant of Uncertain Significance.